The following is an entry in ClinVar:

NM_172240.3(POC1B):c.356C>T (p.Thr119Ile)

Genes: POC1B (POC1 centriolar protein B; minus strand), POC1B-DUSP6 (POC1B-DUSP6 readthrough; minus strand). Cytogenetic location: 12q21.33.
Variant type: single nucleotide variant.
Coding change: c.356C>T on transcript NM_172240.3 (MANE Select); coding-DNA position 356, C replaced by T.
Protein change: p.Thr119Ile; replaces threonine 119 with isoleucine.
Molecular consequence: missense variant. On other transcripts: non-coding transcript variant (2).
Genome position (GRCh38, 1-based): chr12:89,492,032, G>A on the plus strand (C>T on the coding strand, the complement: POC1B is on the minus strand). VCF-style: chr12-89492032-G-A. GRCh37 (hg19) VCF-style: chr12-89885809-G-A.
Other names: c.230C>T, p.Thr77Ile (NM_001199777.2); short protein forms T119I, T77I.
Identifiers: ClinVar variation 2419007 (VCV002419007.6), dbSNP rs1225701102, ClinGen allele CA385991815.

ClinVar aggregate classification (germline): Pathogenic (1 of 4 stars; one submission).

Allele frequency attached by ClinVar (database versions not stated): TOPMed below 0.00001; gnomAD 0.00001; gnomAD exomes 0.00002.
gnomAD v4.1: 12 of 1,609,748 alleles (0.00075%); highest among the groups gnomAD compares: East Asian, 0.025%; no homozygotes.

Submission:

Labcorp Genetics (formerly Invitae), Labcorp
Classification: Pathogenic. Last evaluated: 2022-09-01. Review status: criteria provided, single submitter. Criteria: Invitae Variant Classification Sherloc (09022015). Collection method: clinical testing. Allele origin: germline.
Comment: This missense change has been observed in individuals with cone dystrophy and/or cone-rod dystrophy (PMID: 31390656, 33691693). It has also been observed to segregate with disease in related individuals. This variant is present in population databases (no rsID available, gnomAD 0.003%). This sequence change replaces threonine, which is neutral and polar, with isoleucine, which is neutral and non-polar, at codon 119 of the POC1B protein (p.Thr119Ile). Algorithms developed to predict the effect of missense changes on protein structure and function (SIFT, PolyPhen-2, Align-GVGD) all suggest that this variant is likely to be disruptive. For these reasons, this variant has been classified as Pathogenic.

Literature cited by the submitters: PubMed 31390656; PubMed 33691693.